The following is an entry in ClinVar:

NM_000257.4(MYH7):c.5129G>C (p.Ser1710Thr)

Genes: MHRT (myosin heavy chain associated RNA transcript; plus strand), MYH7 (myosin heavy chain 7; minus strand), LOC126861897 (BRD4-independent group 4 enhancer GRCh37_chr14:23884455-23885654; plus strand). Cytogenetic location: 14q11.2.
Variant type: single nucleotide variant.
Coding change: c.5129G>C on transcript NM_000257.4 (MANE Select); coding-DNA position 5129, G replaced by C.
Protein change: p.Ser1710Thr; replaces serine 1710 with threonine.
Molecular consequence: missense variant. On other transcripts: non-coding transcript variant (1).
Genome position (GRCh38, 1-based): chr14:23,415,657, C>G on the plus strand (G>C on the coding strand, the complement: MYH7 is on the minus strand). VCF-style: chr14-23415657-C-G. GRCh37 (hg19) VCF-style: chr14-23884866-C-G.
Other names: short protein forms S1710T.
Identifiers: ClinVar variation 922809 (VCV000922809.19), dbSNP rs869279274, ClinGen allele CA389036905.

ClinVar aggregate classification (germline): Uncertain significance. Review status: criteria provided, multiple submitters, no conflicts (2 of 4 stars). 4 submissions from 4 submitters: Uncertain significance (4). Last evaluated 2025-02-13.

Conditions:
Cardiovascular phenotype. Identifiers: MedGen CN230736.
Cardiomyopathy (CMYO). Also called: Cardiomyopathies. Identifiers: Orphanet 167848, MedGen C0878544, MONDO:0004994, HP:0001638. Inheritance: Various modes of inheritance.
Hypertrophic cardiomyopathy. Also called: HYPERTROPHIC MYOCARDIOPATHY. Identifiers: Orphanet 217569, MedGen C0007194, MeSH D002312, MONDO:0005045, HP:0001639.

Allele frequency attached by ClinVar (database versions not stated): gnomAD 0.00001; gnomAD exomes 0.00002.
gnomAD v4.1: 28 of 1,613,870 alleles (0.0017%); highest among the groups gnomAD compares: Non-Finnish European, 0.0021%; no homozygotes.

Submissions (4):

Labcorp Genetics (formerly Invitae), Labcorp
Classification: Uncertain significance for Hypertrophic cardiomyopathy. Last evaluated: 2025-02-13. Review status: criteria provided, single submitter. Criteria: Invitae Variant Classification Sherloc (09022015). Collection method: clinical testing. Allele origin: germline.
Comment: This sequence change replaces serine, which is neutral and polar, with threonine, which is neutral and polar, at codon 1710 of the MYH7 protein (p.Ser1710Thr). This variant is present in population databases (no rsID available, gnomAD 0.0009%). This missense change has been observed in individual(s) with clinical features of MYH7-related conditions (internal data). ClinVar contains an entry for this variant (Variation ID: 922809). Invitae Evidence Modeling of protein sequence and biophysical properties (such as structural, functional, and spatial information, amino acid conservation, physicochemical variation, residue mobility, and thermodynamic stability) indicates that this missense variant is not expected to disrupt MYH7 protein function with a negative predictive value of 95%. In summary, the available evidence is currently insufficient to determine the role of this variant in disease. Therefore, it has been classified as a Variant of Uncertain Significance.

All of Us Research Program, National Institutes of Health
Classification: Uncertain significance for Cardiomyopathy. Last evaluated: 2024-08-08. Review status: criteria provided, single submitter. Criteria: ACMG Guidelines, 2015. Collection method: clinical testing. Allele origin: germline. Inheritance: Autosomal dominant inheritance. Observed: 3 variant alleles, 3 heterozygotes.
Comment: Variant of Uncertain Significance due to insufficient evidence: This missense variant is located in the LMM domain of the MYH7 protein. Computational prediction tools and conservation analyses are inconclusive regarding the impact of this variant on the protein function. Computational splicing tools suggest that this variant may not impact RNA splicing. To our knowledge, functional assays have not been performed for this variant nor has this variant been reported in individuals affected with cardiovascular disorders in the literature. This variant has been identified in 1/245890 chromosomes in the general population by the Genome Aggregation Database (gnomAD). Available evidence is insufficient to determine the role of this variant in disease conclusively.

This study involves interpretation of variants in research participants for the purpose of population health screening. Participant phenotype was not available at the time of variant classification. Additional details can be found in publication PMID: 35346344, PMCID: PMC8962531

Color Diagnostics, LLC DBA Color Health
Classification: Uncertain significance for Cardiomyopathy. Last evaluated: 2023-12-05. Review status: criteria provided, single submitter. Criteria: ACMG Guidelines, 2015. Collection method: clinical testing. Allele origin: germline.
Comment: Variant of Uncertain Significance due to insufficient evidence: This missense variant is located in the LMM domain of the MYH7 protein. Computational prediction tools and conservation analyses are inconclusive regarding the impact of this variant on the protein function. Computational splicing tools suggest that this variant may not impact RNA splicing. To our knowledge, functional assays have not been performed for this variant nor has this variant been reported in individuals affected with cardiovascular disorders in the literature. This variant has been identified in 1/245890 chromosomes in the general population by the Genome Aggregation Database (gnomAD). Available evidence is insufficient to determine the role of this variant in disease conclusively.

Ambry Genetics
Classification: Uncertain significance for Cardiovascular phenotype. Last evaluated: 2020-02-19. Review status: criteria provided, single submitter. Criteria: Ambry Variant Classification Scheme 2023. Collection method: clinical testing. Allele origin: germline.
Comment: The p.S1710T variant (also known as c.5129G>C), located in coding exon 33 of the MYH7 gene, results from a G to C substitution at nucleotide position 5129. The serine at codon 1710 is replaced by threonine, an amino acid with similar properties. This amino acid position is well conserved in available vertebrate species; however, threonine is the reference amino acid in other vertebrate species. In addition, this alteration is predicted to be tolerated by in silico analysis. Since supporting evidence is limited at this time, the clinical significance of this alteration remains unclear.